The following is an entry in ClinVar:

ClinVar aggregate classification (germline): Uncertain significance (1 of 4 stars; one submission).

Conditions:
Familial Mediterranean fever (FMF). Also called: POLYSEROSITIS, FAMILIAL PAROXYSMAL; POLYSEROSITIS, RECURRENT; Periodic peritonitis; Benign paroxysmal peritonitis. Identifiers: Orphanet 342, MedGen C0031069, MONDO:0018088, OMIM 249100. Disease mechanism: gain of function.

Submission:

Labcorp Genetics (formerly Invitae), Labcorp
Classification: Uncertain significance for Familial Mediterranean fever. Last evaluated: 2024-02-24. Review status: criteria provided, single submitter. Criteria: Invitae Variant Classification Sherloc (09022015). Collection method: clinical testing. Allele origin: germline.
Comment: This sequence change replaces glutamine, which is neutral and polar, with glutamic acid, which is acidic and polar, at codon 551 of the MEFV protein (p.Gln551Glu). This variant is not present in population databases (gnomAD no frequency). This variant has not been reported in the literature in individuals affected with MEFV-related conditions. ClinVar contains an entry for this variant (Variation ID: 1717409). Algorithms developed to predict the effect of missense changes on protein structure and function output the following: SIFT: "Not Available"; PolyPhen-2: "Benign"; Align-GVGD: "Not Available". The glutamic acid amino acid residue is found in multiple mammalian species, which suggests that this missense change does not adversely affect protein function. In summary, the available evidence is currently insufficient to determine the role of this variant in disease. Therefore, it has been classified as a Variant of Uncertain Significance.

NM_000243.3(MEFV):c.1651C>G (p.Gln551Glu)

Gene: MEFV (MEFV innate immunity regulator, pyrin; minus strand). Cytogenetic location: 16p13.3.
Variant type: single nucleotide variant.
Coding change: c.1651C>G on transcript NM_000243.3 (MANE Select); coding-DNA position 1651, C replaced by G.
Protein change: p.Gln551Glu; replaces glutamine 551 with glutamic acid.
Molecular consequence: missense variant.
Genome position (GRCh38, 1-based): chr16:3,244,548, G>C on the plus strand (C>G on the coding strand, the complement: MEFV is on the minus strand). VCF-style: chr16-3244548-G-C. GRCh37 (hg19) VCF-style: chr16-3294548-G-C.
Other names: c.1018C>G, p.Gln340Glu (NM_001198536.2); short protein forms Q340E, Q551E.
Identifiers: ClinVar variation 1717409 (VCV001717409.5), dbSNP rs2543141751, ClinGen allele CA394458790.